The following is an entry in ClinVar:

NM_003235.5(TG):c.557A>T (p.Glu186Val)

Gene: TG (thyroglobulin; plus strand). Cytogenetic location: 8q24.22.
Variant type: single nucleotide variant.
Coding change: c.557A>T on transcript NM_003235.5 (MANE Select); coding-DNA position 557, A replaced by T.
Protein change: p.Glu186Val; replaces glutamic acid 186 with valine.
Molecular consequence: missense variant.
Genome position (GRCh38, 1-based): chr8:132,873,140, A>T. VCF-style: chr8-132873140-A-T. GRCh37 (hg19) VCF-style: chr8-133885385-A-T.
Other names: short protein forms E186V.
Identifiers: ClinVar variation 4687321 (VCV004687321.1).

ClinVar aggregate classification (germline): Uncertain significance (1 of 4 stars; one submission).

gnomAD v4.1: 4 of 1,614,036 alleles (0.00025%); highest among the groups gnomAD compares: African/African-American, 0.0013%; no homozygotes.

Submission:

Women's Health and Genetics/Laboratory Corporation of America, LabCorp
Classification: Uncertain significance. Last evaluated: 2025-10-14. Review status: criteria provided, single submitter. Criteria: LabCorp Variant Classification Summary - May 2015. Collection method: clinical testing. Allele origin: germline.
Comment: Variant summary: TG c.557A>T (p.Glu186Val) results in a non-conservative amino acid change in the encoded protein sequence. Algorithms developed to predict the effect of missense changes on protein structure and function are either unavailable or do not agree on the potential impact of this missense change. The variant was absent in 251400 control chromosomes. The available data on variant occurrences in the general population are insufficient to allow any conclusion about variant significance. To our knowledge, no occurrence of c.557A>T in individuals affected with TG-related conditions and no experimental evidence demonstrating its impact on protein function have been reported. No submitters have cited clinical-significance assessments for this variant to ClinVar. Based on the evidence outlined above, the variant was classified as uncertain significance.